The following is an entry in ClinVar:

NM_005045.4(RELN):c.53G>A (p.Gly18Glu)

Gene: RELN (reelin; minus strand). Cytogenetic location: 7q22.1.
Variant type: single nucleotide variant.
Coding change: c.53G>A on transcript NM_005045.4 (MANE Select); coding-DNA position 53, G replaced by A.
Protein change: p.Gly18Glu; replaces glycine 18 with glutamic acid.
Molecular consequence: missense variant.
Genome position (GRCh38, 1-based): chr7:103,989,304, C>T on the plus strand (G>A on the coding strand, the complement: RELN is on the minus strand). VCF-style: chr7-103989304-C-T. GRCh37 (hg19) VCF-style: chr7-103629751-C-T.
Other names: c.53G>A, p.Gly18Glu (NM_173054.3); short protein forms G18E.
Identifiers: ClinVar variation 3371198 (VCV003371198.1).

ClinVar aggregate classification (germline): Uncertain significance (1 of 4 stars; one submission).

gnomAD v4.1: 2 of 1,612,394 alleles (0.00012%); highest among the groups gnomAD compares: East Asian, 0.0045%; no homozygotes.

Submission:

GeneDx
Classification: Uncertain significance. Last evaluated: 2024-04-24. Review status: criteria provided, single submitter. Criteria: GeneDx Variant Classification Process June 2021. Collection method: clinical testing. Allele origin: germline. Affected: yes.
Comment: Not observed at significant frequency in large population cohorts (gnomAD); In silico analysis indicates that this missense variant does not alter protein structure/function; Has not been previously published as pathogenic or benign to our knowledge